The following is an entry in ClinVar:

ClinVar aggregate classification (germline): Conflicting classifications of pathogenicity. Review status: criteria provided, conflicting classifications (1 of 4 stars). 5 submissions from 5 submitters: Uncertain significance (1); Likely benign (4). Last evaluated 2026-08-28.

Conditions:
DSP-related disorder. Also called: DSP-related condition; DSP-related disorders.
Cardiovascular phenotype. Identifiers: MedGen CN230736.
Arrhythmogenic right ventricular dysplasia 8 (ARVD8). Also called: Arrhythmogenic Right Ventricular Dysplasia/Cardiomyopathy 8; ARRHYTHMOGENIC RIGHT VENTRICULAR DYSPLASIA, FAMILIAL, 8; ARRHYTHMOGENIC RIGHT VENTRICULAR CARDIOMYOPATHY 8. Identifiers: MedGen C1843896, MONDO:0011831, OMIM 607450.
Arrhythmogenic cardiomyopathy with wooly hair and keratoderma. Also called: Carvajal syndrome; Dilated cardiomyopathy with woolly hair and keratoderma; PALMOPLANTAR KERATODERMA WITH LEFT VENTRICULAR CARDIOMYOPATHY AND WOOLLY HAIR; Arrhythmogenic cardiomyopathy with woolly hair and keratoderma. Identifiers: Orphanet 65282, MedGen C1854063, MONDO:0011581, OMIM 605676.
Cardiomyopathy (CMYO). Also called: Cardiomyopathies. Identifiers: Orphanet 167848, MedGen C0878544, MONDO:0004994, HP:0001638. Inheritance: Various modes of inheritance.

Submissions (5):

PreventionGenetics, part of Exact Sciences
Classification: Uncertain significance for DSP-related condition. Last evaluated: 2026-08-28. Review status: criteria provided, single submitter. Criteria: ACMG Guidelines, 2015. Collection method: clinical testing. Allele origin: germline.
Comment: The DSP c.8472_8483del12 variant is predicted to result in an in-frame deletion (p.Ser2843_Arg2846del). This variant has been reported as uncertain in an individual with arrhythmogenic cardiomyopathy with right dominant form (ACR) (Table S5, Goudal et al. 2022. PubMed ID: 35819174). This variant is reported in 0.037% of alleles in individuals of African descent in gnomAD. This variant falls within a repeat region within exon 24 of DSP and has been classified as likely benign by multiple submitters in ClinVar (Variation ID: 44970). Although we suspect that this variant may be benign, at this time, the clinical significance of this variant is uncertain due to the absence of conclusive functional and genetic evidence.

Labcorp Genetics (formerly Invitae), Labcorp
Classification: Likely benign for Arrhythmogenic cardiomyopathy with wooly hair and keratoderma; Arrhythmogenic right ventricular dysplasia 8. Last evaluated: 2026-01-21. Review status: criteria provided, single submitter. Criteria: Invitae Variant Classification Sherloc (09022015). Collection method: clinical testing. Allele origin: germline.

Color Diagnostics, LLC DBA Color Health
Classification: Likely benign for Cardiomyopathy. Last evaluated: 2020-12-04. Review status: criteria provided, single submitter. Criteria: ACMG Guidelines, 2015. Collection method: clinical testing. Allele origin: germline.

Ambry Genetics
Classification: Likely benign for Cardiovascular phenotype. Last evaluated: 2019-11-19. Review status: criteria provided, single submitter. Criteria: Ambry Variant Classification Scheme 2023. Collection method: clinical testing. Allele origin: germline.

Laboratory for Molecular Medicine, Mass General Brigham Personalized Medicine
Classification: Likely benign. Last evaluated: 2013-02-11. Review status: criteria provided, single submitter. Criteria: LMM Criteria. Collection method: clinical testing. Allele origin: germline. Observed: 1 variant allele.
Comment: Ser2843_Arg2846del in exon 24 of DSP: This variant is not expected to have clini cal significance because it has been identified in 1.45% (62/4266) of African Am erican chromosomes from a broad population by the NHLBI Exome Sequencing Project. This in-frame deletion of four amino acids occurs within a section of repeating amino acids, which can result from several different DNA deletions, and is present in mammals (dolphin, opossum, and platy pus) and other evolutionarily distant species.

Literature cited by the submitters: PubMed 21636032 (cited by Laboratory for Molecular Medicine, Mass General Brigham Personalized Medicine).

NM_004415.4(DSP):c.8472_8483del (p.2827_2830SGSR[4])

Gene: DSP (desmoplakin; plus strand). Cytogenetic location: 6p24.3.
Variant type: Deletion.
Coding change: c.8472_8483del on transcript NM_004415.4 (MANE Select); coding-DNA positions 8472 to 8483, 12 bases deleted (GTCCCGCTCCGG).
Protein change: p.2827_2830SGSR[4].
Genome position (GRCh38, 1-based): chr6:7,585,734-7,585,745, GTCCCGCTCCGG deleted; deleting any 12 consecutive bases within chr6:7,585,732-7,585,745 gives the same sequence; the c. name uses the placement nearest the transcript's 3' end. VCF-style (leftmost placement, unchanged base first): chr6-7585731-GGGGTCCCGCTCC-G. GRCh37 (hg19) VCF-style: chr6-7585964-GGGGTCCCGCTCC-G.
Other names: c.8472_8483delGTCCCGCTCCGG (NM_004415.2); c.6675_6686del, p.2228_2231SGSR[4] (NM_001008844.3); c.7143_7154del, p.2384_2387SGSR[4] (NM_001319034.2); c.8472_8483del12 (NM_004415.3).
Identifiers: ClinVar variation 44970 (VCV000044970.19), dbSNP rs397516967, ClinGen allele CA007583.